The following is an entry in ClinVar:

ClinVar aggregate classification (germline): Likely pathogenic (1 of 4 stars; one submission).

Conditions:
SPTB-related disorder. Also called: SPTB-related condition; SPTB-Related Disorders.

Submission:

PreventionGenetics, part of Exact Sciences
Classification: Likely pathogenic for SPTB-related condition. Last evaluated: 2022-12-15. Review status: criteria provided, single submitter. Criteria: ACMG Guidelines, 2015. Collection method: clinical testing. Allele origin: germline.
Comment: The SPTB c.6369delT variant is predicted to result in a frameshift and premature protein termination (p.Pro2123Profs*34). To our knowledge, this variant has not been reported in the literature or in a large population database, indicating this variant is rare. Frameshift variants in SPTB are expected to be pathogenic. This variant is interpreted as likely pathogenic.

NM_001355436.2(SPTB):c.6369del (p.Gln2124fs)

Gene: SPTB (spectrin beta, erythrocytic; minus strand). Cytogenetic location: 14q23.3.
Variant type: Deletion.
Coding change: c.6369del on transcript NM_001355436.2 (MANE Select); coding-DNA position 6369, one base deleted (T; older notation c.6369delT).
Protein change: p.Gln2124fs; shifts the reading frame from glutamine 2124.
Molecular consequence: frameshift variant.
Genome position (GRCh38, 1-based): chr14:64,753,770, A deleted on the plus strand (T on the coding strand, the reverse complement: SPTB is on the minus strand). VCF-style (leftmost placement, unchanged base first): chr14-64753769-GA-G. GRCh37 (hg19) VCF-style: chr14-65220487-GA-G.
Other names: c.6369del, p.Gln2124fs (NM_001024858.4); short protein forms Q2124fs.
Identifiers: ClinVar variation 2628625 (VCV002628625.1), dbSNP rs2502976776, ClinGen allele CA2695199838.